The following is an entry in ClinVar:

NM_001099403.2(PRDM8):c.1210G>A (p.Ala404Thr)

Gene: PRDM8 (PR/SET domain 8; plus strand). Cytogenetic location: 4q21.21.
Variant type: single nucleotide variant.
Coding change: c.1210G>A on transcript NM_001099403.2 (MANE Select); coding-DNA position 1210, G replaced by A.
Protein change: p.Ala404Thr; replaces alanine 404 with threonine.
Molecular consequence: missense variant.
Genome position (GRCh38, 1-based): chr4:80,202,672, G>A. VCF-style: chr4-80202672-G-A. GRCh37 (hg19) VCF-style: chr4-81123826-G-A.
Other names: c.1210G>A, p.Ala404Thr (NM_020226.4); short protein forms A404T.
Identifiers: ClinVar variation 581400 (VCV000581400.6), dbSNP rs1422650743, ClinGen allele CA357399404.

ClinVar aggregate classification (germline): Uncertain significance (1 of 4 stars; one submission).

Conditions:
Early-onset Lafora body disease. Also called: Epilepsy, progressive myoclonic, 10. Identifiers: Orphanet 324290, MedGen C4225258, MONDO:0014717, OMIM 616640.

Allele frequency attached by ClinVar (database versions not stated): gnomAD exomes below 0.00001.
gnomAD v4.1: 2 of 1,440,920 alleles (0.00014%); highest among the groups gnomAD compares: Admixed American, 0.0026%; no homozygotes.

Submission:

Labcorp Genetics (formerly Invitae), Labcorp
Classification: Uncertain significance for Early-onset Lafora body disease. Last evaluated: 2022-01-14. Review status: criteria provided, single submitter. Criteria: Invitae Variant Classification Sherloc (09022015). Collection method: clinical testing. Allele origin: germline.
Comment: This sequence change replaces alanine, which is neutral and non-polar, with threonine, which is neutral and polar, at codon 404 of the PRDM8 protein (p.Ala404Thr). This variant is not present in population databases (gnomAD no frequency). This variant has not been reported in the literature in individuals affected with PRDM8-related conditions. ClinVar contains an entry for this variant (Variation ID: 581400). Algorithms developed to predict the effect of missense changes on protein structure and function are either unavailable or do not agree on the potential impact of this missense change (SIFT: "Deleterious"; PolyPhen-2: "Benign"; Align-GVGD: "Class C0"). In summary, the available evidence is currently insufficient to determine the role of this variant in disease. Therefore, it has been classified as a Variant of Uncertain Significance.